The following is an entry in ClinVar:

ClinVar aggregate classification (germline): Benign. Review status: criteria provided, single submitter (1 of 4 stars). 2 submissions from 2 submitters: Benign (1). 1 of the submissions does not count toward it. Last evaluated 2021-08-31.

Conditions:
COA8-related disorder. Also called: COA8-related condition.

Submissions (2):

GeneDx
Classification: Benign. Last evaluated: 2021-08-31. Review status: criteria provided, single submitter. Criteria: GeneDx Variant Classification Process June 2021. Collection method: clinical testing. Allele origin: germline. Affected: yes.

PreventionGenetics, part of Exact Sciences
Classification: Benign for COA8-related condition. Last evaluated: 2023-11-28. Review status: no assertion criteria provided. Collection method: clinical testing. Allele origin: germline. Not counted in ClinVar's aggregate classification.
Comment: This variant is classified as benign based on ACMG/AMP sequence variant interpretation guidelines (Richards et al. 2015 PMID: 25741868, with internal and published modifications).

NM_001370595.2(COA8):c.322-5_322-4dup

Gene: COA8 (cytochrome c oxidase assembly factor 8; plus strand). Cytogenetic location: 14q32.33.
Variant type: Duplication.
Coding change: c.322-5_322-4dup on transcript NM_001370595.2 (MANE Select); 5 bases into the intron before coding-DNA position 322 through 4 bases into the intron before coding-DNA position 322, 2 bases duplicated (TT; older notation c.322-5_322-4dupTT).
Molecular consequence: intron variant.
Genome position (GRCh38, 1-based): chr14:103,574,102-103,574,103, TT duplicated; duplicating any 2 consecutive bases within chr14:103,574,079-103,574,103 gives the same sequence; the c. name uses the placement nearest the transcript's 3' end. VCF-style (leftmost placement, unchanged base first): chr14-103574078-C-CTT. GRCh37 (hg19) VCF-style: chr14-104040415-C-CTT.
Other names: c.361-5_361-4dupTT (NM_032374.4); c.322-5_322-4dup (NM_001302653.2, NM_001302654.2).
Identifiers: ClinVar variation 1258487 (VCV001258487.4), dbSNP rs11337243, ClinGen allele CA7365527.